The following is an entry in ClinVar:

NM_000051.4(ATM):c.3049C>T (p.Gln1017Ter)

Gene: ATM (ATM serine/threonine kinase; plus strand). Cytogenetic location: 11q22.3.
Variant type: single nucleotide variant.
Coding change: c.3049C>T on transcript NM_000051.4 (MANE Select); coding-DNA position 3049, C replaced by T.
Protein change: p.Gln1017Ter; replaces glutamine 1017 with a stop codon.
Molecular consequence: nonsense.
Genome position (GRCh38, 1-based): chr11:108,271,378, C>T. VCF-style: chr11-108271378-C-T. GRCh37 (hg19) VCF-style: chr11-108142105-C-T.
Other names: p.Q1017*:CAG>TAG; c.3049C>T, p.Gln1017Ter (NM_001351834.2); short protein forms Q1017*.
Identifiers: ClinVar variation 181992 (VCV000181992.27), dbSNP rs730881388, ClinGen allele CA298345.

ClinVar aggregate classification (germline): Pathogenic/Likely pathogenic. Review status: criteria provided, multiple submitters, no conflicts (2 of 4 stars). 12 submissions from 12 submitters: Pathogenic (9); Likely pathogenic (3). Last evaluated 2026-03-20.

Conditions:
ATM-related disorder. Also called: ATM-related disorders; ATM-related condition.
Ataxia-telangiectasia syndrome (AT). Also called: Cerebello-oculocutaneous telangiectasia; Immunodeficiency with ataxia telangiectasia; AT, COMPLEMENTATION GROUP C; LOUIS-BAR SYNDROME; Ataxia-telangiectasia, complementation group E; ATAXIA-TELANGIECTASIA, COMPLEMENTATION GROUP A. Identifiers: Orphanet 100, MedGen C0004135, MONDO:0008840, OMIM 208900.
Breast cancer, susceptibility to. Identifiers: MedGen C3469522. Disease mechanism: gain of function.
Hereditary cancer-predisposing syndrome. Also called: Neoplastic Syndromes, Hereditary; Tumor predisposition; Hereditary neoplastic syndrome; Hereditary Cancer Syndrome. Identifiers: Orphanet 140162, MedGen C0027672, MeSH D009386, MONDO:0015356.
Familial cancer of breast. Also called: Hereditary breast cancer; BREAST CANCER, FAMILIAL; hereditary breast carcinoma. Identifiers: Orphanet 227535, MedGen C0346153, MONDO:0016419, OMIM 114480. Disease mechanism: loss of function.

Allele frequency attached by ClinVar (database versions not stated): gnomAD exomes below 0.00001; TOPMed 0.00003.
gnomAD v4.1: 1 of 1,614,060 alleles (0.000062%); highest among the groups gnomAD compares: Non-Finnish European, 0.000085%; no homozygotes.

Submissions (12):

PreventionGenetics, part of Exact Sciences
Classification: Pathogenic for ATM-related condition. Last evaluated: 2026-03-20. Review status: criteria provided, single submitter. Criteria: ACMG Guidelines, 2015. Collection method: clinical testing. Allele origin: germline.
Comment: The ATM c.3049C>T variant is predicted to result in premature protein termination (p.Gln1017*). This variant has been reported in the heterozygous and compound heterozygous states in patients with breast cancer and ataxia telangiectasia (Susswein et al. 2016. PubMed ID: 26681312, Zouk et al. 2019. PubMed ID: 31447099, Fiévet et al. 2019. PubMed ID: 31050087). This variant has not been reported in a large population database (gnomAD), indicating this variant is rare. This variant has been classified as likely pathogenic and pathogenic in Clinvar (Variation ID: 181992). Nonsense variants in ATM are expected to be pathogenic. This variant is interpreted as pathogenic.

Labcorp Genetics (formerly Invitae), Labcorp
Classification: Pathogenic for Ataxia-telangiectasia syndrome. Last evaluated: 2026-01-05. Review status: criteria provided, single submitter. Criteria: Invitae Variant Classification Sherloc (09022015). Collection method: clinical testing. Allele origin: germline.
Comment: This sequence change creates a premature translational stop signal (p.Gln1017*) in the ATM gene. It is expected to result in an absent or disrupted protein product. Loss-of-function variants in ATM are known to be pathogenic (PMID: 23807571, 25614872). This variant is not present in population databases (gnomAD no frequency). This premature translational stop signal has been observed in individual(s) with breast cancer (PMID: 26681312). ClinVar contains an entry for this variant (Variation ID: 181992). Algorithms developed to predict the effect of sequence changes on RNA splicing suggest that this variant may disrupt the consensus splice site. For these reasons, this variant has been classified as Pathogenic.

Quest Diagnostics Nichols Institute San Juan Capistrano
Classification: Pathogenic. Last evaluated: 2025-07-25. Review status: criteria provided, single submitter. Criteria: Quest Diagnostics criteria. Collection method: clinical testing. Allele origin: unknown.
Comment: The ATM c.3049C>T (p.Gln1017*) variant causes the premature termination of ATM protein synthesis. This variant has been reported in the published literature in an individual with breast cancer (PMID: 26681312 (2015)). This variant was also identified in individuals with Ataxia-telangiectasia (AT) (PMIDs: 31050087 (2019), 37438524 (2023)) along with co-occurring variants, one of which was another ATM nonsense variant (PMID: 37438524 (2023)). This variant has not been reported in large, multi-ethnic general populations (Genome Aggregation Database). Based on the available information, this variant is classified as pathogenic.

Ambry Genetics
Classification: Pathogenic for Hereditary cancer-predisposing syndrome. Last evaluated: 2024-08-13. Review status: criteria provided, single submitter. Criteria: Ambry Variant Classification Scheme 2023. Collection method: clinical testing. Allele origin: germline.
Comment: The p.Q1017* pathogenic mutation (also known as c.3049C>T), located in coding exon 19 of the ATM gene, results from a C to T substitution at nucleotide position 3049. This changes the amino acid from a glutamine to a stop codon within coding exon 19. This alteration was identified in 1/10030 consecutive patients referred for evaluation by an NGS hereditary cancer panel (Susswein LR et al. Genet. Med., 2016 08;18:823-32). This variant is considered to be rare based on population cohorts in the Genome Aggregation Database (gnomAD). In addition to the clinical data presented in the literature, this alteration is expected to result in loss of function by premature protein truncation or nonsense-mediated mRNA decay. As such, this alteration is interpreted as a disease-causing mutation.

Fulgent Genetics
Classification: Likely pathogenic for Familial cancer of breast; Ataxia-telangiectasia syndrome. Last evaluated: 2024-03-07. Review status: criteria provided, single submitter. Criteria: ACMG Guidelines, 2015. Collection method: clinical testing. Allele origin: germline.

Myriad Genetics, Inc.
Classification: Pathogenic for Familial cancer of breast. Last evaluated: 2024-01-18. Review status: criteria provided, single submitter. Criteria: Myriad Autosomal Dominant, Autosomal Recessive and X-Linked Classification Criteria (2023). Collection method: clinical testing. Allele origin: unknown.
Comment: This variant is considered pathogenic. This variant creates a termination codon and is predicted to result in premature protein truncation.

Greenwood Genetic Center Diagnostic Laboratories, Greenwood Genetic Center
Classification: Pathogenic for Familial cancer of breast. Last evaluated: 2023-12-04. Review status: criteria provided, single submitter. Criteria: ACMG Guidelines, 2015. Collection method: clinical testing. Allele origin: germline.
Comment: PVS1, PS4_Supporting, PM2

Baylor Genetics
Classification: Pathogenic for Familial cancer of breast. Last evaluated: 2023-11-21. Review status: criteria provided, single submitter. Criteria: ACMG Guidelines, 2015. Collection method: clinical testing. Allele origin: unknown.

GeneDx
Classification: Pathogenic. Last evaluated: 2023-11-13. Review status: criteria provided, single submitter. Criteria: GeneDx Variant Classification Process June 2021. Collection method: clinical testing. Allele origin: germline. Affected: yes.
Comment: Nonsense variant predicted to result in protein truncation or nonsense mediated decay in a gene for which loss of function is a known mechanism of disease; Observed with an ATM missense variant in a patient with atypical ataxia telangiectasia, and patient-derived cell line demonstrated reduced ATM protein and impaired phosphorylation of downstream targets (PMID: 31050087); Truncating variants in this gene are considered pathogenic by a well-established clinical consortium and/or database; Not observed at significant frequency in large population cohorts (gnomAD); Observed in individuals with a personal or family history of breast cancer (PMID: 29308099, 34377931); This variant is associated with the following publications: (PMID: 29308099, 26681312, 34377931, 31447099, 31050087)

Sema4
Classification: Likely pathogenic for Hereditary cancer-predisposing syndrome. Last evaluated: 2021-12-11. Review status: criteria provided, single submitter. Criteria: Sema4 Curation Guidelines. Collection method: curation. Allele origin: germline.
Comment: The ATM c.3049C>T (p.Q1017*) variant has been reported in at least one individual with breast cancer (PMID: 26681312) as well as other individuals of unknown age and phenotype (PMID: 34377931, 31447099). This nonsense variant creates a premature stop codon at residue 1017 of the ATM protein. At this location, this variant is predicted to cause nonsense-mediated decay and result in an absent protein (loss of function). Loss of function variants in ATM are known to be pathogenic (PMID: 31050087). This variant was not observed in the Genome Aggregation Database (PMID: 32461654). This variant has been reported in ClinVar (Variation ID: 181992). Based on the current evidence available, this variant is interpreted as likely pathogenic.

Women's Health and Genetics/Laboratory Corporation of America, LabCorp
Classification: Pathogenic for Ataxia-telangiectasia syndrome. Last evaluated: 2019-10-28. Review status: criteria provided, single submitter. Criteria: LabCorp Variant Classification Summary - May 2015. Collection method: clinical testing. Allele origin: germline.
Comment: Variant summary: ATM c.3049C>T (p.Gln1017X) results in a premature termination codon, predicted to cause a truncation of the encoded protein or absence of the protein due to nonsense mediated decay, which are commonly known mechanisms for disease. Truncations downstream of this position have been classified as pathogenic by our laboratory (e.g. c.3085dupA (p.Thr1029fsX19), c.3245_3247delinsTGAT (p.His1082fsX14), c.3372C>G (p.Tyr1124X)). The variant was absent in 251048 control chromosomes (gnomAD). c.3049C>T has been reported in the literature in an individual affected with Breast Cancer (Susswein_2016).To our knowledge, no experimental evidence demonstrating an impact on protein function has been reported. Three other clinical diagnostic laboratories have submitted clinical-significance assessments for this variant to ClinVar after 2014, and all laboratories classified the variant as pathogenic. Based on the evidence outlined above, the variant was classified as pathogenic.

Human Genome Sequencing Center Clinical Lab, Baylor College of Medicine
Classification: Likely pathogenic for Susceptibility to breast cancer; Ataxia-telangiectasia. Last evaluated: 2018-10-08. Review status: criteria provided, single submitter. Criteria: ACMG Guidelines, 2015. Collection method: clinical testing. Allele origin: germline.
Comment: The c.3049C>T (p.Gln1017*) variant in the ATM gene is predicted to introduce a premature translation termination codon. This variant has not been reported in the gnomAD database. Therefore, the c.3049C>T (p.Gln1017*) variant in the ATM gene is classified as likely pathogenic.

Literature cited by the submitters: PubMed 23807571 (cited by Labcorp Genetics (formerly Invitae), Labcorp); PubMed 25614872 (cited by Labcorp Genetics (formerly Invitae), Labcorp); PubMed 26681312 (cited by 4 submitters); PubMed 34377931 (cited by Sema4); PubMed 31447099 (cited by Sema4); PubMed 31050087 (cited by Sema4).